The following is an entry in ClinVar:

ClinVar aggregate classification (germline): Conflicting classifications of pathogenicity. Review status: criteria provided, conflicting classifications (1 of 4 stars). 3 submissions from 3 submitters: Uncertain significance (2); Likely benign (1). Last evaluated 2025-07-08.

Conditions:
Cardiovascular phenotype. Identifiers: MedGen CN230736.
Alstrom syndrome (ALMS). Identifiers: Orphanet 64, MedGen C0268425, MONDO:0008763, OMIM 203800.

Allele frequency attached by ClinVar (database versions not stated): gnomAD 0.00001; TOPMed 0.00002.
gnomAD v4.1: 9 of 1,549,194 alleles (0.00058%); highest among the groups gnomAD compares: Middle Eastern, 0.05%; no homozygotes.

Submissions (3):

Ambry Genetics
Classification: Likely benign for Cardiovascular phenotype. Last evaluated: 2025-07-08. Review status: criteria provided, single submitter. Criteria: Ambry Variant Classification Scheme 2023. Collection method: clinical testing. Allele origin: germline.

New York Genome Center
Classification: Uncertain significance for Alstrom syndrome. Last evaluated: 2023-01-11. Review status: criteria provided, single submitter. Criteria: NYGC Assertion Criteria 2020. Collection method: clinical testing. Allele origin: germline. Observed: 1 heterozygote.

Labcorp Genetics (formerly Invitae), Labcorp
Classification: Uncertain significance for Alstrom syndrome. Last evaluated: 2022-07-25. Review status: criteria provided, single submitter. Criteria: Invitae Variant Classification Sherloc (09022015). Collection method: clinical testing. Allele origin: germline.
Comment: This sequence change replaces glycine, which is neutral and non-polar, with aspartic acid, which is acidic and polar, at codon 102 of the ALMS1 protein (p.Gly102Asp). This variant is present in population databases (no rsID available, gnomAD 0.01%). This variant has not been reported in the literature in individuals affected with ALMS1-related conditions. Algorithms developed to predict the effect of missense changes on protein structure and function output the following: SIFT: "Not Available"; PolyPhen-2: "Not Available"; Align-GVGD: "Not Available". The aspartic acid amino acid residue is found in multiple mammalian species, which suggests that this missense change does not adversely affect protein function. In summary, the available evidence is currently insufficient to determine the role of this variant in disease. Therefore, it has been classified as a Variant of Uncertain Significance.

NM_001378454.1(ALMS1):c.302G>A (p.Gly101Asp)

Gene: ALMS1 (ALMS1 centrosome and basal body associated protein; plus strand). Cytogenetic location: 2p13.1.
Variant type: single nucleotide variant.
Coding change: c.302G>A on transcript NM_001378454.1 (MANE Select); coding-DNA position 302, G replaced by A.
Protein change: p.Gly101Asp; replaces glycine 101 with aspartic acid.
Molecular consequence: missense variant.
Genome position (GRCh38, 1-based): chr2:73,386,170, G>A. VCF-style: chr2-73386170-G-A. GRCh37 (hg19) VCF-style: chr2-73613298-G-A.
Other names: c.305G>A, p.Gly102Asp (NM_015120.4); short protein forms G101D, G102D.
Identifiers: ClinVar variation 1799349 (VCV001799349.7), dbSNP rs1180446025, ClinGen allele CA347251030.